The following is an entry in ClinVar:

ClinVar aggregate classification (germline): Uncertain significance (1 of 4 stars; one submission).

Conditions:
VPS13B-related disorder. Also called: VPS13B-related condition.

Submission:

PreventionGenetics, part of Exact Sciences
Classification: Uncertain significance for VPS13B-related condition. Last evaluated: 2025-10-09. Review status: criteria provided, single submitter. Criteria: ACMG Guidelines, 2015. Collection method: clinical testing. Allele origin: germline.
Comment: The VPS13B c.8557G>C variant is predicted to result in the amino acid substitution p.Gly2853Arg. To our knowledge, this variant has not been reported in the literature or in a large population database (gnomAD), indicating this variant is rare. At this time, the clinical significance of this variant is uncertain due to the absence of conclusive functional and genetic evidence.

NM_152564.5(VPS13B):c.8557G>C (p.Gly2853Arg)

Gene: VPS13B (vacuolar protein sorting 13 homolog B; plus strand). Cytogenetic location: 8q22.2.
Variant type: single nucleotide variant.
Coding change: c.8557G>C on transcript NM_152564.5 (MANE Select); coding-DNA position 8557, G replaced by C.
Protein change: p.Gly2853Arg; replaces glycine 2853 with arginine.
Molecular consequence: missense variant.
Genome position (GRCh38, 1-based): chr8:99,818,824, G>C. VCF-style: chr8-99818824-G-C. GRCh37 (hg19) VCF-style: chr8-100831052-G-C.
Other names: c.8632G>C, p.Gly2878Arg (NM_017890.5); short protein forms G2853R, G2878R.
Identifiers: ClinVar variation 4984703 (VCV004984703.1).